The following is an entry in ClinVar:

ClinVar aggregate classification (germline): Uncertain significance. Review status: criteria provided, single submitter (1 of 4 stars). 2 submissions from 2 submitters: Uncertain significance (1). 1 of the submissions does not count toward it. Last evaluated 2025-01-18.

Conditions:
AIPL1-related disorder. Also called: AIPL1-related disorders; AIPL1-related condition. Identifiers: MedGen CN239169.
Inborn genetic diseases. Identifiers: MedGen C0950123, MeSH D030342.

Allele frequency attached by ClinVar (database versions not stated): gnomAD exomes below 0.00001; ExAC 0.00001; gnomAD 0.00001; TOPMed 0.00001.
gnomAD v4.1: 6 of 1,614,070 alleles (0.00037%); highest among the groups gnomAD compares: Non-Finnish European, 0.00051%; no homozygotes.

Submissions (2):

Ambry Genetics
Classification: Uncertain significance for Inborn genetic diseases. Last evaluated: 2025-01-18. Review status: criteria provided, single submitter. Criteria: Ambry Variant Classification Scheme 2023. Collection method: clinical testing. Allele origin: germline.

PreventionGenetics, part of Exact Sciences
Classification: Uncertain significance for AIPL1-related condition. Last evaluated: 2024-08-18. Review status: no assertion criteria provided. Collection method: clinical testing. Allele origin: germline. Not counted in ClinVar's aggregate classification.
Comment: The AIPL1 c.752A>G variant is predicted to result in the amino acid substitution p.Glu251Gly. To our knowledge, this variant has not been reported in the literature. This variant is reported in 0.0015% of alleles in individuals of European (Non-Finnish) descent in gnomAD. At this time, the clinical significance of this variant is uncertain due to the absence of conclusive functional and genetic evidence.

NM_014336.5(AIPL1):c.752A>G (p.Glu251Gly)

Gene: AIPL1 (AIP like 1 HSP90 co-chaperone; minus strand). Cytogenetic location: 17p13.2.
Variant type: single nucleotide variant.
Coding change: c.752A>G on transcript NM_014336.5 (MANE Select); coding-DNA position 752, A replaced by G.
Protein change: p.Glu251Gly; replaces glutamic acid 251 with glycine.
Molecular consequence: missense variant.
Genome position (GRCh38, 1-based): chr17:6,426,647, T>C on the plus strand (A>G on the coding strand, the complement: AIPL1 is on the minus strand). VCF-style: chr17-6426647-T-C. GRCh37 (hg19) VCF-style: chr17-6329967-T-C.
Other names: c.563A>G, p.Glu188Gly (NM_001033054.3); c.572A>G, p.Glu191Gly (NM_001033055.3); c.716A>G, p.Glu239Gly (NM_001285399.3); c.686A>G, p.Glu229Gly (NM_001285400.3); c.680A>G, p.Glu227Gly (NM_001285401.3); c.635A>G, p.Glu212Gly (NM_001285402.2); c.728A>G, p.Glu243Gly (NM_001285403.4); c.752A>G (NM_014336.4); short protein forms E229G, E251G, E188G, E243G, E191G, E212G, E227G, E239G.
Identifiers: ClinVar variation 2338223 (VCV002338223.4), dbSNP rs775153508, ClinGen allele CA8328412.
Genomic context (GRCh38, chr17:6,426,647, plus strand): 5'-CACTGTCCGCCCCTGCAGCCCCGCGCACCTGGGTGGTGCCGGAGAATATCACTGGTGTGC[T>C]CCAGCACCTCATAGTACTCCTCCTTCTTCAGCAGGCACTGGCAGTAGTTGAGGATCAGAG-3'
Protein context (NP_055151.3, residues 241-261): LKKEEYYEVL[Glu251Gly]HTSDILRHHP